The following is an entry in ClinVar:

NM_005422.4(TECTA):c.5086G>A (p.Asp1696Asn)

Genes: TBCEL-TECTA (TBCEL-TECTA readthrough; plus strand), TECTA (tectorin alpha; plus strand). Cytogenetic location: 11q23.3.
Variant type: single nucleotide variant.
Coding change: c.5086G>A on transcript NM_005422.4 (MANE Select); coding-DNA position 5086, G replaced by A.
Protein change: p.Asp1696Asn; replaces aspartic acid 1696 with asparagine.
Molecular consequence: missense variant.
Genome position (GRCh38, 1-based): chr11:121,162,184, G>A. VCF-style: chr11-121162184-G-A. GRCh37 (hg19) VCF-style: chr11-121032893-G-A.
Other names: c.6028G>A, p.Asp2010Asn (NM_001378761.1); short protein forms D1696N, D2010N.
Identifiers: ClinVar variation 666924 (VCV000666924.4), dbSNP rs1017300729, ClinGen allele CA229847661.
Genomic context (GRCh38, chr11:121,162,184, plus strand): 5'-ATGTGTGACAATGTGCACATCCAGAAGATGCAGGGTGATGGCTACTGCCTGAAGCTCACC[G>A]ACATGAAGGGCTTCTTCCAGCCCTGCTATGGGCTTCTCGATCCCCTCCCATTCTACGAGT-3'
Protein context (NP_005413.2, residues 1686-1706): QGDGYCLKLT[Asp1696Asn]MKGFFQPCYG

ClinVar aggregate classification (germline): Uncertain significance (1 of 4 stars; one submission).

gnomAD v4.1: 4 of 1,614,156 alleles (0.00025%); highest among the groups gnomAD compares: African/African-American, 0.0013%; no homozygotes.

Submission:

Laboratory for Molecular Medicine, Mass General Brigham Personalized Medicine
Classification: Uncertain significance. Last evaluated: 2018-04-11. Review status: criteria provided, single submitter. Criteria: LMM Criteria. Collection method: clinical testing. Allele origin: germline. Observed: 1 variant allele.
Comment: The p.Asp1696Asn variant in TECTA has not been previously reported in individual s with hearing loss and was absent from large population studies. Computational prediction tools and conservation analysis suggest that the p.Asp1696Asn variant may not impact the protein, though this information is not predictive enough to rule out pathogenicity. In summary, the clinical significance of the p.Asp1696A sn variant is uncertain. ACMG/AMP Criteria applied: PM2, BP4.